The following is an entry in ClinVar:

ClinVar aggregate classification (germline): Uncertain significance (1 of 4 stars; one submission).

Conditions:
LAMA2-related muscular dystrophy (LAMA2-RD). Also called: Laminin alpha 2-related dystrophy. Identifiers: MedGen C5679788, MONDO:0100228.

Allele frequency attached by ClinVar (database versions not stated): TOPMed below 0.00001.
gnomAD v4.1: 2 of 1,613,812 alleles (0.00012%); highest among the groups gnomAD compares: Admixed American, 0.0017%; no homozygotes.

Submission:

Labcorp Genetics (formerly Invitae), Labcorp
Classification: Uncertain significance for LAMA2-related muscular dystrophy. Last evaluated: 2022-04-18. Review status: criteria provided, single submitter. Criteria: Invitae Variant Classification Sherloc (09022015). Collection method: clinical testing. Allele origin: germline.
Comment: This sequence change replaces alanine, which is neutral and non-polar, with threonine, which is neutral and polar, at codon 438 of the LAMA2 protein (p.Ala438Thr). This variant is present in population databases (no rsID available, gnomAD 0.003%). This variant has not been reported in the literature in individuals affected with LAMA2-related conditions. Advanced modeling of protein sequence and biophysical properties (such as structural, functional, and spatial information, amino acid conservation, physicochemical variation, residue mobility, and thermodynamic stability) performed at Invitae indicates that this missense variant is not expected to disrupt LAMA2 protein function. In summary, the available evidence is currently insufficient to determine the role of this variant in disease. Therefore, it has been classified as a Variant of Uncertain Significance.

NM_000426.4(LAMA2):c.1312G>A (p.Ala438Thr)

Gene: LAMA2 (laminin subunit alpha 2; plus strand). Cytogenetic location: 6q22.33.
Variant type: single nucleotide variant.
Coding change: c.1312G>A on transcript NM_000426.4 (MANE Select); coding-DNA position 1312, G replaced by A.
Protein change: p.Ala438Thr; replaces alanine 438 with threonine.
Molecular consequence: missense variant.
Genome position (GRCh38, 1-based): chr6:129,177,711, G>A. VCF-style: chr6-129177711-G-A. GRCh37 (hg19) VCF-style: chr6-129498856-G-A.
Other names: c.1312G>A, p.Ala438Thr (NM_001079823.2); short protein forms A438T.
Identifiers: ClinVar variation 2091104 (VCV002091104.1), dbSNP rs1217080781, ClinGen allele CA365607399.